The following is an entry in ClinVar:

NM_000334.4(SCN4A):c.4426A>C (p.Met1476Leu)

Genes: GH-LCR (growth hormone locus control region; plus strand), SCN4A (sodium voltage-gated channel alpha subunit 4; minus strand). Cytogenetic location: 17q23.3.
Variant type: single nucleotide variant.
Coding change: c.4426A>C on transcript NM_000334.4 (MANE Select); coding-DNA position 4426, A replaced by C.
Protein change: p.Met1476Leu; replaces methionine 1476 with leucine.
Molecular consequence: missense variant.
Genome position (GRCh38, 1-based): chr17:63,941,856, T>G on the plus strand (A>C on the coding strand, the complement: SCN4A is on the minus strand). VCF-style: chr17-63941856-T-G. GRCh37 (hg19) VCF-style: chr17-62019216-T-G.
Other names: short protein forms M1476L.
Identifiers: ClinVar variation 3658635 (VCV003658635.2).
Genomic context (GRCh38, chr17:63,941,856, plus strand): 5'-AGATGAACATGACCAGGAAGAGGAGGAGGCCGATGTTGAAGAGGGCAGGCAGCGACATCA[T>G]GAGGGCGAACAGCAGCGTCCGGATGCCCTTGGCCCCGCGGATCAGCCGCAGGACACGCCC-3'
Protein context (NP_000325.4, residues 1466-1486): KGIRTLLFAL[Met1476Leu]MSLPALFNIG

ClinVar aggregate classification (germline): Uncertain significance (1 of 4 stars; one submission).

Conditions:
Hyperkalemic periodic paralysis. Also called: Familial hyperkalemic periodic paralysis; Gamstorp disease. Identifiers: Orphanet 682, MedGen C0238357, MONDO:0008224, OMIM 170500, HP:0007215.

Submission:

Labcorp Genetics (formerly Invitae), Labcorp
Classification: Uncertain significance for Hyperkalemic periodic paralysis. Last evaluated: 2025-05-21. Review status: criteria provided, single submitter. Criteria: Invitae Variant Classification Sherloc (09022015). Collection method: clinical testing. Allele origin: germline.
Comment: This sequence change replaces methionine, which is neutral and non-polar, with leucine, which is neutral and non-polar, at codon 1476 of the SCN4A protein (p.Met1476Leu). This variant is not present in population databases (gnomAD no frequency). This variant has not been reported in the literature in individuals affected with SCN4A-related conditions. ClinVar contains an entry for this variant (Variation ID: 3658635). Invitae Evidence Modeling of protein sequence and biophysical properties (such as structural, functional, and spatial information, amino acid conservation, physicochemical variation, residue mobility, and thermodynamic stability) indicates that this missense variant is not expected to disrupt SCN4A protein function with a negative predictive value of 95%. This variant disrupts the p.Met1476 amino acid residue in SCN4A. Other variant(s) that disrupt this residue have been determined to be pathogenic (PMID: 17998485). This suggests that this residue is clinically significant, and that variants that disrupt this residue are likely to be disease-causing. In summary, the available evidence is currently insufficient to determine the role of this variant in disease. Therefore, it has been classified as a Variant of Uncertain Significance.

Literature cited by the submitters: PubMed 17998485.